The following is an entry in ClinVar:

NM_022132.5(MCCC2):c.1309A>G (p.Ile437Val)

Gene: MCCC2 (methylcrotonyl-CoA carboxylase subunit 2; plus strand). Cytogenetic location: 5q13.2.
Variant type: single nucleotide variant.
Coding change: c.1309A>G on transcript NM_022132.5 (MANE Select); coding-DNA position 1309, A replaced by G.
Protein change: p.Ile437Val; replaces isoleucine 437 with valine.
Molecular consequence: missense variant.
Genome position (GRCh38, 1-based): chr5:71,649,189, A>G. VCF-style: chr5-71649189-A-G. GRCh37 (hg19) VCF-style: chr5-70945016-A-G.
Other names: c.1195A>G, p.Ile399Val (NM_001363147.1); short protein forms I437V, I399V.
Identifiers: ClinVar variation 1925 (VCV000001925.24), dbSNP rs119103224, ClinGen allele CA251971.

ClinVar aggregate classification (germline): Pathogenic/Likely pathogenic. Review status: criteria provided, multiple submitters, no conflicts (2 of 4 stars). 6 submissions from 6 submitters: Pathogenic (2); Likely pathogenic (1). 3 of the submissions do not count toward it. Last evaluated 2025-10-01.

Conditions:
Methylcrotonyl-CoA carboxylase deficiency. Also called: 3-MCC Deficiency; 3 Methylcrotonylglycinuria; Deficiency of methylcrotonoyl-CoA carboxylase. Identifiers: Orphanet 6, MedGen C4551505, MONDO:0018950.
3-methylcrotonyl-CoA carboxylase 2 deficiency. Also called: 3 alpha methylcrotonyl-CoA carboxylase 2 deficiency; 3 alpha methylcrotonylglycinuria 2; MCC 2 deficiency; Methylcrotonylglycinuria type 2; METHYLCROTONYLGLYCINURIA, TYPE II. Identifiers: Orphanet 6, MedGen C1859499, MONDO:0008862, OMIM 210210.

Allele frequency attached by ClinVar (database versions not stated): TOPMed 0.00003; gnomAD 0.00004.
gnomAD v4.1: 68 of 1,614,094 alleles (0.0042%); highest among the groups gnomAD compares: Non-Finnish European, 0.0057%; no homozygotes.

Submissions (6):

Natera, Inc.
Classification: Likely pathogenic for 3-methylcrotonyl-CoA carboxylase 2 deficiency. Last evaluated: 2025-10-01. Review status: criteria provided, single submitter. Criteria: Natera Variant Classification Schema (03/2026). Collection method: clinical testing. Allele origin: germline.
Comment: The c.1309A>G variant in MCCC2 is a missense variant predicted to cause substitution of isoleucine to valine at amino acid 437. This variant is rare in the general population with a frequency below the threshold expected for the associated phenotype(s). This variant has been observed in one or more individuals affected with the associated recessive disease, as either homozygous or compound heterozygous with a second variant (PMID: 38535124, 22642865). Functional studies show that this variant may disrupt protein function (PMID: 11181649). Given the available evidence, this variant is classified as Likely Pathogenic.

Labcorp Genetics (formerly Invitae), Labcorp
Classification: Pathogenic for 3-methylcrotonyl-CoA carboxylase 2 deficiency. Last evaluated: 2025-06-18. Review status: criteria provided, single submitter. Criteria: Invitae Variant Classification Sherloc (09022015). Collection method: clinical testing. Allele origin: germline.
Comment: This sequence change replaces isoleucine, which is neutral and non-polar, with valine, which is neutral and non-polar, at codon 437 of the MCCC2 protein (p.Ile437Val). RNA analysis indicates that this missense change induces altered splicing and may result in an absent or altered protein product. This variant is present in population databases (rs119103224, gnomAD 0.005%). This missense change has been observed in individual(s) with 3 methylcrotonyl-CoA carboxylase deficiency (PMID: 22642865; internal data). In at least one individual the data is consistent with being in trans (on the opposite chromosome) from a pathogenic variant. ClinVar contains an entry for this variant (Variation ID: 1925). Invitae Evidence Modeling of protein sequence and biophysical properties (such as structural, functional, and spatial information, amino acid conservation, physicochemical variation, residue mobility, and thermodynamic stability) indicates that this missense variant is not expected to disrupt MCCC2 protein function with a negative predictive value of 80%. Studies have shown that this missense change results in activation of a cryptic donor site, and produces a non-functional protein and/or introduces a premature termination codon (PMID: 11181649). For these reasons, this variant has been classified as Pathogenic.

Women's Health and Genetics/Laboratory Corporation of America, LabCorp
Classification: Pathogenic for Methylcrotonyl-CoA carboxylase deficiency. Last evaluated: 2025-05-08. Review status: criteria provided, single submitter. Criteria: LabCorp Variant Classification Summary - May 2015. Collection method: clinical testing. Allele origin: germline.
Comment: Variant summary: MCCC2 c.1309A>G (p.Ile437Val) results in a conservative amino acid change in the encoded protein sequence. Algorithms developed to predict the effect of missense changes on protein structure and function are either unavailable or do not agree on the potential impact of this missense change. Several computational tools predict a significant impact on normal splicing: Four predict the variant creates a 5' donor site. At least one publication reports experimental evidence that this variant affects mRNA splicing. This prediction has been confirmed by an experimental study in an RT-PCR assay presenting aberrant splicing, resulting in deletion of 64 base pairs in exon 14 and reading frame shift and a premature termination of translation (Baumgartner_2001). The variant allele was found at a frequency of 2e-05 in 251480 control chromosomes. c.1309A>G has been observed in homozyugous or compound heterozygous individuals affected with Methylcrotonyl-CoA Carboxylase Deficiency (Grunert_2012, Kiewiet_2024, Invitae). These data indicate that the variant is very likely to be associated with disease. The following publications have been ascertained in the context of this evaluation (PMID: 11181649, 14680978, 22642865, 38535124). ClinVar contains an entry for this variant (Variation ID: 1925). Based on the evidence outlined above, the variant was classified as pathogenic.

OMIM
Classification: Pathogenic for 3-METHYLCROTONYL-CoA CARBOXYLASE 2 DEFICIENCY. Last evaluated: 2001-02-01. Review status: no assertion criteria provided. Collection method: literature only. Allele origin: germline. Not counted in ClinVar's aggregate classification.

Clinical Genetics DNA and cytogenetics Diagnostics Lab, Erasmus MC, Erasmus Medical Center
Classification: Likely pathogenic. Review status: no assertion criteria provided. Collection method: clinical testing. Allele origin: germline. Affected: yes. Study: VKGL Data-share Consensus. Not counted in ClinVar's aggregate classification.

Joint Genome Diagnostic Labs from Nijmegen and Maastricht, Radboudumc and MUMC+
Classification: Pathogenic. Review status: no assertion criteria provided. Collection method: clinical testing. Allele origin: germline. Affected: yes. Study: VKGL Data-share Consensus. Not counted in ClinVar's aggregate classification.

Literature cited by the submitters: PubMed 38535124 (cited by Natera, Inc. and Women's Health and Genetics/Laboratory Corporation of America, LabCorp); PubMed 22642865 (cited by 3 submitters); PubMed 11181649 (cited by 4 submitters); PubMed 14680978 (cited by Women's Health and Genetics/Laboratory Corporation of America, LabCorp); PubMed 8598650 (cited by OMIM).